The following is an entry in ClinVar:

ClinVar aggregate classification (germline): Uncertain significance. Review status: criteria provided, multiple submitters, no conflicts (2 of 4 stars). 2 submissions from 2 submitters: Uncertain significance (2). Last evaluated 2025-08-05.

Conditions:
Inborn genetic diseases. Identifiers: MedGen C0950123, MeSH D030342.

Allele frequency attached by ClinVar (database versions not stated): TOPMed below 0.00001; ExAC 0.00001; gnomAD exomes 0.00001.
gnomAD v4.1: 5 of 1,613,156 alleles (0.00031%); highest among the groups gnomAD compares: Admixed American, 0.0067%; no homozygotes.

Submissions (2):

Ambry Genetics
Classification: Uncertain significance for Inborn genetic diseases. Last evaluated: 2025-08-05. Review status: criteria provided, single submitter. Criteria: Ambry Variant Classification Scheme 2023. Collection method: clinical testing. Allele origin: germline.

Labcorp Genetics (formerly Invitae), Labcorp
Classification: Uncertain significance. Last evaluated: 2024-05-29. Review status: criteria provided, single submitter. Criteria: Invitae Variant Classification Sherloc (09022015). Collection method: clinical testing. Allele origin: germline.
Comment: This sequence change replaces alanine, which is neutral and non-polar, with threonine, which is neutral and polar, at codon 269 of the SLC25A19 protein (p.Ala269Thr). This variant is present in population databases (rs748899329, gnomAD 0.01%). This variant has not been reported in the literature in individuals affected with SLC25A19-related conditions. ClinVar contains an entry for this variant (Variation ID: 2184796). Advanced modeling of protein sequence and biophysical properties (such as structural, functional, and spatial information, amino acid conservation, physicochemical variation, residue mobility, and thermodynamic stability) performed at Invitae indicates that this missense variant is not expected to disrupt SLC25A19 protein function with a negative predictive value of 80%. In summary, the available evidence is currently insufficient to determine the role of this variant in disease. Therefore, it has been classified as a Variant of Uncertain Significance.

NM_001126121.2(SLC25A19):c.805G>A (p.Ala269Thr)

Genes: MIF4GD-DT (MIF4GD divergent transcript; plus strand), SLC25A19 (solute carrier family 25 member 19; minus strand). Cytogenetic location: 17q25.1.
Variant type: single nucleotide variant.
Coding change: c.805G>A on transcript NM_001126121.2 (MANE Select); coding-DNA position 805, G replaced by A.
Protein change: p.Ala269Thr; replaces alanine 269 with threonine.
Molecular consequence: missense variant. On other transcripts: non-coding transcript variant (1).
Genome position (GRCh38, 1-based): chr17:75,273,609, C>T on the plus strand (G>A on the coding strand, the complement: SLC25A19 is on the minus strand). VCF-style: chr17-75273609-C-T. GRCh37 (hg19) VCF-style: chr17-73269690-C-T.
Other names: c.805G>A (NM_021734.4); c.805G>A, p.Ala269Thr (NM_001126122.2, NM_021734.5); short protein forms A269T.
Identifiers: ClinVar variation 2184796 (VCV002184796.4), dbSNP rs748899329, ClinGen allele CA8760876.